The following is an entry in ClinVar:

ClinVar aggregate classification (germline): Conflicting classifications of pathogenicity. Review status: criteria provided, conflicting classifications (1 of 4 stars). 2 submissions from 1 submitter: Uncertain significance (1); Benign (1). Last evaluated 2018-01-13.

Conditions:
Gastrointestinal stromal tumor. Also called: Gastrointestinal stromal tumor, somatic; Gastrointestinal stroma tumor. Identifiers: Orphanet 44890, MedGen C0238198, MeSH D046152, MONDO:0011719, OMIM 606764, HP:0100723.
Idiopathic hypereosinophilic syndrome (HES). Identifiers: Orphanet 3260, MedGen C0206141, MONDO:0011895, OMIM 607685. Disease mechanism: gain of function.

Allele frequency attached by ClinVar (database versions not stated): gnomAD exomes 0.00021; 1000 Genomes Project 30x 0.00094; 1000 Genomes Project 0.00100; gnomAD 0.00110 and 0.00121; TOPMed 0.00120.
gnomAD v4.1: 186 of 233,692 alleles (0.08%); highest among the groups gnomAD compares: African/African-American, 0.39%; no homozygotes.

Submissions (2):

Illumina Laboratory Services, Illumina
Classification: Uncertain significance for Gastrointestinal stromal tumor. Last evaluated: 2018-01-13. Review status: criteria provided, single submitter. Criteria: ICSL Variant Classification Criteria 13 December 2019. Collection method: clinical testing. Allele origin: germline.

Illumina Laboratory Services, Illumina
Classification: Benign for Idiopathic hypereosinophilic syndrome. Last evaluated: 2018-01-13. Review status: criteria provided, single submitter. Criteria: ICSL Variant Classification Criteria 13 December 2019. Collection method: clinical testing. Allele origin: germline.
Comment: This variant was observed in the ICSL laboratory as part of a predisposition screen in an ostensibly healthy population. It had not been previously curated by ICSL or reported in the Human Gene Mutation Database (HGMD: prior to June 1st, 2018), and was therefore a candidate for classification through an automated scoring system. Utilizing variant allele frequency, disease prevalence and penetrance estimates, and inheritance mode, an automated score was calculated to assess if this variant is too frequent to cause the disease. Based on the score and internal cut-off values, a variant classified as benign is not then subjected to further curation. The score for this variant resulted in a classification of benign for this disease.

NM_006206.6(PDGFRA):c.*2336T>C

Gene: PDGFRA (platelet derived growth factor receptor alpha; plus strand). Cytogenetic location: 4q12.
Variant type: single nucleotide variant.
Coding change: c.*2336T>C on transcript NM_006206.6 (MANE Select); 2336 bases downstream of the stop codon, T replaced by C.
Molecular consequence: 3 prime UTR variant.
Genome position (GRCh38, 1-based): chr4:54,297,608, T>C. VCF-style: chr4-54297608-T-C. GRCh37 (hg19) VCF-style: chr4-55163775-T-C.
Other names: c.*2336T>C (NM_001347828.2, NM_001347829.2, NM_001347830.2).
Identifiers: ClinVar variation 348942 (VCV000348942.5), dbSNP rs574665425, ClinGen allele CA10618830.
Genomic context (GRCh38, chr4:54,297,608, plus strand): 5'-TATTGCTGTGAGCCTTGCATGACATCATGAGGCCGGATGAAACTTCTCAGTCCAGCAGTT[T>C]CCAGTCCTAACAAATGCTCCCACCTGAATTTGTATATGACTGCATTTGTGTGTGTGTGTG-3'